The following is an entry in ClinVar:

NM_000051.4(ATM):c.3139A>G (p.Lys1047Glu)

Gene: ATM (ATM serine/threonine kinase; plus strand). Cytogenetic location: 11q22.3.
Variant type: single nucleotide variant.
Coding change: c.3139A>G on transcript NM_000051.4 (MANE Select); coding-DNA position 3139, A replaced by G.
Protein change: p.Lys1047Glu; replaces lysine 1047 with glutamic acid.
Molecular consequence: missense variant.
Genome position (GRCh38, 1-based): chr11:108,272,593, A>G. VCF-style: chr11-108272593-A-G. GRCh37 (hg19) VCF-style: chr11-108143320-A-G.
Other names: c.3139A>G, p.Lys1047Glu (NM_001351834.2); short protein forms K1047E.
Identifiers: ClinVar variation 133613 (VCV000133613.8), dbSNP rs587778071, ClinGen allele CA157095.
Genomic context (GRCh38, chr11:108,272,593, plus strand): 5'-CATCTAACAAAGGAGAGGAAATATATATTCTCTGTAAGAATGGCCCTAGTAAATTGCCTT[A>G]AAACTTTGCTTGAGGTGAGTTTTTGCATTTTTTTAGTAAGATCTCCATTGAAAATTTTAA-3'
Protein context (NP_000042.3, residues 1037-1057): SVRMALVNCL[Lys1047Glu]TLLEADPYSK

ClinVar aggregate classification (germline): Uncertain significance. Review status: criteria provided, multiple submitters, no conflicts (2 of 4 stars). 4 submissions from 4 submitters: Uncertain significance (2). 2 of the submissions do not count toward it. Last evaluated 2024-03-29.

Conditions:
Hereditary cancer-predisposing syndrome. Also called: Tumor predisposition; Hereditary neoplastic syndrome; Neoplastic Syndromes, Hereditary; Hereditary Cancer Syndrome. Identifiers: Orphanet 140162, MedGen C0027672, MeSH D009386, MONDO:0015356.
Familial cancer of breast. Also called: BREAST CANCER, FAMILIAL; Hereditary breast cancer; hereditary breast carcinoma. Identifiers: Orphanet 227535, MedGen C0346153, MONDO:0016419, OMIM 114480. Disease mechanism: loss of function.
Ataxia-telangiectasia syndrome (AT). Also called: ATAXIA-TELANGIECTASIA, COMPLEMENTATION GROUP A; ATAXIA-TELANGIECTASIA, FRESNO VARIANT; Ataxia-telangiectasia; LOUIS-BAR SYNDROME; Cerebello-oculocutaneous telangiectasia; Immunodeficiency with ataxia telangiectasia. Identifiers: Orphanet 100, MedGen C0004135, MONDO:0008840, OMIM 208900.

Submissions (4):

Baylor Genetics
Classification: Uncertain significance for Familial cancer of breast. Last evaluated: 2024-03-29. Review status: criteria provided, single submitter. Criteria: ACMG Guidelines, 2015. Collection method: clinical testing. Allele origin: unknown.

Ambry Genetics
Classification: Uncertain significance for Hereditary cancer-predisposing syndrome. Last evaluated: 2023-08-11. Review status: criteria provided, single submitter. Criteria: Ambry Variant Classification Scheme 2023. Collection method: clinical testing. Allele origin: germline.
Comment: The p.K1047E variant (also known as c.3139A>G), located in coding exon 20 of the ATM gene, results from an A to G substitution at nucleotide position 3139. The lysine at codon 1047 is replaced by glutamic acid, an amino acid with similar properties. This variant was identified in a cohort of individuals diagnosed with breast cancer (Xie Y et al. Clin Genet, 2018 Jan;93:41-51). This amino acid position is not well conserved in available vertebrate species. In addition, this alteration is predicted to be tolerated by in silico analysis. Since supporting evidence is limited at this time, the clinical significance of this alteration remains unclear.

Natera, Inc.
Classification: Uncertain significance for Ataxia-telangiectasia. Last evaluated: 2021-03-17. Review status: no assertion criteria provided. Collection method: clinical testing. Allele origin: germline. Not counted in ClinVar's aggregate classification.

ITMI
No classification provided. Condition: AllHighlyPenetrant. Last evaluated: 2013-09-19. Review status: no classification provided. Collection method: reference population. Allele origin: germline. Not counted in ClinVar's aggregate classification.
Comment: Please see associated publication for description of ethnicities

Literature cited by the submitters: PubMed 28580595 (cited by Ambry Genetics); PubMed 24728327 (cited by ITMI).